The following is an entry in ClinVar:

ClinVar aggregate classification (germline): Conflicting classifications of pathogenicity. Review status: criteria provided, conflicting classifications (1 of 4 stars). 4 submissions from 4 submitters: Uncertain significance (2); Likely benign (1). 1 of the submissions does not count toward it. Last evaluated 2025-11-25.

Conditions:
Hereditary cancer-predisposing syndrome. Also called: Hereditary neoplastic syndrome; Neoplastic Syndromes, Hereditary; Hereditary Cancer Syndrome; Tumor predisposition. Identifiers: Orphanet 140162, MedGen C0027672, MeSH D009386, MONDO:0015356.
Renal cell carcinoma. Identifiers: Orphanet 217071, MedGen C0007134, MeSH D002292, MONDO:0005086, HP:0005584.

Allele frequency attached by ClinVar (database versions not stated): TOPMed below 0.00001; gnomAD 0.00001; gnomAD exomes 0.00001.
gnomAD v4.1: 17 of 1,613,942 alleles (0.0011%); highest among the groups gnomAD compares: Non-Finnish European, 0.0014%; no homozygotes.

Submissions (4):

Labcorp Genetics (formerly Invitae), Labcorp
Classification: Uncertain significance for Renal cell carcinoma. Last evaluated: 2025-11-25. Review status: criteria provided, single submitter. Criteria: Invitae Variant Classification Sherloc (09022015). Collection method: clinical testing. Allele origin: germline.
Comment: This sequence change replaces threonine, which is neutral and polar, with alanine, which is neutral and non-polar, at codon 67 of the MET protein (p.Thr67Ala). This variant is present in population databases (rs202047059, gnomAD 0.0009%). This variant has not been reported in the literature in individuals affected with MET-related conditions. ClinVar contains an entry for this variant (Variation ID: 41621). Invitae Evidence Modeling of protein sequence and biophysical properties (such as structural, functional, and spatial information, amino acid conservation, physicochemical variation, residue mobility, and thermodynamic stability) indicates that this missense variant is not expected to disrupt MET protein function with a negative predictive value of 80%. In summary, the available evidence is currently insufficient to determine the role of this variant in disease. Therefore, it has been classified as a Variant of Uncertain Significance.

Ambry Genetics
Classification: Likely benign for Hereditary cancer-predisposing syndrome. Last evaluated: 2025-02-27. Review status: criteria provided, single submitter. Criteria: Ambry Variant Classification Scheme 2023. Collection method: clinical testing. Allele origin: germline.

GeneDx
Classification: Uncertain significance. Last evaluated: 2024-05-28. Review status: criteria provided, single submitter. Criteria: GeneDx Variant Classification Process June 2021. Collection method: clinical testing. Allele origin: germline. Affected: yes.
Comment: Not observed at significant frequency in large population cohorts (gnomAD); In silico analysis indicates that this missense variant does not alter protein structure/function; Observed in an individual with atherosclerosis (PMID: 22703879); This variant is associated with the following publications: (PMID: 22703879)

Biesecker Lab/Clinical Genomics Section, National Institutes of Health
Classification: Uncertain significance. Last evaluated: 2012-07-13. Review status: no assertion criteria provided. Collection method: research. Allele origin: germline. Affected: no. Observed: 1 variant allele. Study: ClinSeq. Not counted in ClinVar's aggregate classification.
ClinVar note: Converted during submission from variant of unknown significance to Uncertain significance.

NM_000245.4(MET):c.199A>G (p.Thr67Ala)

Gene: MET (MET proto-oncogene, receptor tyrosine kinase; plus strand). Cytogenetic location: 7q31.2.
Variant type: single nucleotide variant.
Coding change: c.199A>G on transcript NM_000245.4 (MANE Select); coding-DNA position 199, A replaced by G.
Protein change: p.Thr67Ala; replaces threonine 67 with alanine.
Molecular consequence: missense variant. On other transcripts: intron variant (1).
Genome position (GRCh38, 1-based): chr7:116,699,283, A>G. VCF-style: chr7-116699283-A-G. GRCh37 (hg19) VCF-style: chr7-116339337-A-G.
Other names: c.199A>G, p.Thr67Ala (NM_001127500.3, NM_001324401.3); c.-91+26706A>G (NM_001324402.2); short protein forms T67A.
Identifiers: ClinVar variation 41621 (VCV000041621.14), dbSNP rs202047059, ClinGen allele CA215649.